The following is an entry in ClinVar:

NM_001844.5(COL2A1):c.4135C>T (p.Arg1379Cys)

Gene: COL2A1 (collagen type II alpha 1 chain; minus strand). Cytogenetic location: 12q13.11.
Variant type: single nucleotide variant.
Coding change: c.4135C>T on transcript NM_001844.5 (MANE Select); coding-DNA position 4135, C replaced by T.
Protein change: p.Arg1379Cys; replaces arginine 1379 with cysteine.
Molecular consequence: missense variant.
Genome position (GRCh38, 1-based): chr12:47,974,271, G>A on the plus strand (C>T on the coding strand, the complement: COL2A1 is on the minus strand). VCF-style: chr12-47974271-G-A. GRCh37 (hg19) VCF-style: chr12-48368054-G-A.
Other names: c.3928C>T, p.Arg1310Cys (NM_033150.3); short protein forms R1379C, R1310C.
Identifiers: ClinVar variation 451774 (VCV000451774.13), dbSNP rs141951587, ClinGen allele CA6534529.

ClinVar aggregate classification (germline): Conflicting classifications of pathogenicity. Review status: criteria provided, conflicting classifications (1 of 4 stars). 5 submissions from 5 submitters: Likely pathogenic (1); Uncertain significance (4). Last evaluated 2025-10-21.

Conditions:
Achondrogenesis type II (ACG2). Also called: ACHONDROGENESIS, LANGER-SALDINO TYPE; CHONDROGENESIS IMPERFECTA. Identifiers: Orphanet 932, Orphanet 93296, MedGen C0220685, MONDO:0008702, OMIM 200610.

Allele frequency attached by ClinVar (database versions not stated): TOPMed 0.00002.
gnomAD v4.1: 35 of 1,614,078 alleles (0.0022%); highest among the groups gnomAD compares: South Asian, 0.013%; no homozygotes.

Submissions (5):

Dasa
Classification: Uncertain significance. Last evaluated: 2025-10-21. Review status: criteria provided, single submitter. Criteria: DASA Assertion Criteria. Collection method: clinical testing. Allele origin: germline.
Comment: NM_001844.5(COL2A1):c.4135C>T (p.Arg1379Cys) is a missense variant that results in the substitution of arginine with cysteine. Segregation data support an association with disease in the reported family/families (PMID: 31755234). This variant has been observed in affected individuals with COL2A1-related disorders. This variant has been reported in individuals with COL2A1-related disorders (PMID: 31755234). Also, this variant is rare in population databases. Computational prediction algorithms are consistent with a deleterious effect. The currently available literature and clinical evidence are not sufficient to establish a definitive association between this variant and the reported condition. Therefore, this variant is classified as a variant of uncertain significance.

Labcorp Genetics (formerly Invitae), Labcorp
Classification: Likely pathogenic. Last evaluated: 2025-04-17. Review status: criteria provided, single submitter. Criteria: Invitae Variant Classification Sherloc (09022015). Collection method: clinical testing. Allele origin: germline.
Comment: This sequence change replaces arginine, which is basic and polar, with cysteine, which is neutral and slightly polar, at codon 1379 of the COL2A1 protein (p.Arg1379Cys). This variant is present in population databases (rs141951587, gnomAD 0.02%). This missense change has been observed in individual(s) with autosomal recessive COL2A1-related conditions (PMID: 31755234). It has also been observed to segregate with disease in related individuals. This variant has been reported in individual(s) with autosomal dominant Legg-Calve-Perthes disease (internal data); however, the role of the variant in this condition is currently unclear. ClinVar contains an entry for this variant (Variation ID: 451774). Invitae Evidence Modeling of protein sequence and biophysical properties (such as structural, functional, and spatial information, amino acid conservation, physicochemical variation, residue mobility, and thermodynamic stability) has been performed for this missense variant. However, the output from this modeling did not meet the statistical confidence thresholds required to predict the impact of this variant on COL2A1 protein function. In summary, the currently available evidence indicates that the variant is pathogenic, but additional data are needed to prove that conclusively. Therefore, this variant has been classified as Likely Pathogenic.

Blueprint Genetics
Classification: Uncertain significance. Last evaluated: 2024-09-12. Review status: criteria provided, single submitter. Criteria: ACMG Guidelines, 2015. Collection method: clinical testing. Allele origin: germline.

GeneDx
Classification: Uncertain significance. Last evaluated: 2017-09-01. Review status: criteria provided, single submitter. Criteria: GeneDx Variant Classification (06012015). Collection method: clinical testing. Allele origin: germline. Affected: yes.
Comment: The R1379C variant of uncertain significance in the COL2A1 gene has previously been reported in a patient with an uncertain clinical diagnosis of Legg-Calve-Perthes disease (LCPD) and in this patient's father, although no clinical information was provided for the father (Bae et al., 2015). This variant is not observed at a significant frequency in large population cohorts (Lek et al., 2016; 1000 Genomes Consortium et al., 2015; Exome Variant Server). The R1379C variant is a non-conservative amino acid substitution, which is likely to impact secondary protein structure as these residues differ in polarity, charge, size and/or other properties. This substitution occurs at a position that is conserved across species, and in silico analysis predicts this variant is probably damaging to the protein structure/function. However, the R1379C variant does not affect a Glycine residue in a Gly-X-Y motif in the triple helical region of the COL2A1 gene, where the majority of pathogenic missense variants occur (Stenson et al., 2014; Symoens et al., 2012).

Kasturba Medical College, Manipal, Kasturba Medical College, Manipal, Manipal Academy of Higher Education, Manipal, India
Classification: Uncertain significance for Achondrogenesis type II. Review status: criteria provided, single submitter. Criteria: ACMG Guidelines, 2015. Collection method: clinical testing. Allele origin: inherited. Inheritance: Autosomal recessive inheritance. Affected: yes.

Literature cited by the submitters: PubMed 31755234 (cited by 3 submitters).